The following is an entry in ClinVar:

NM_014855.3(AP5Z1):c.2117C>G (p.Thr706Arg)

Gene: AP5Z1 (adaptor related protein complex 5 subunit zeta 1; plus strand). Cytogenetic location: 7p22.1.
Variant type: single nucleotide variant.
Coding change: c.2117C>G on transcript NM_014855.3 (MANE Select); coding-DNA position 2117, C replaced by G.
Protein change: p.Thr706Arg; replaces threonine 706 with arginine.
Molecular consequence: missense variant. On other transcripts: non-coding transcript variant (1).
Genome position (GRCh38, 1-based): chr7:4,790,851, C>G. VCF-style: chr7-4790851-C-G. GRCh37 (hg19) VCF-style: chr7-4830482-C-G.
Other names: c.1649C>G, p.Thr550Arg (NM_001364858.1); c.2117C>G, p.Thr706Arg (LRG_1247t1); short protein forms T550R, T706R.
Identifiers: ClinVar variation 662144 (VCV000662144.7), dbSNP rs752688603, ClinGen allele CA4138307.
Genomic context (GRCh38, chr7:4,790,851, plus strand): 5'-CCTCTGCTGCCCTGCCCAGGTGTCCCCCCCAGGTGGTCACCGTGCTGATGACCACGCTGA[C>G]GAAGCTGGCCTCCCGGAGCCAAGATCTGATCCCCAGGTGCCTGGTCAGGGAGGGAGCGAA-3'
Protein context (NP_055670.1, residues 696-716): QVVTVLMTTL[Thr706Arg]KLASRSQDLI

ClinVar aggregate classification (germline): Uncertain significance. Review status: criteria provided, single submitter (1 of 4 stars). 2 submissions from 2 submitters: Uncertain significance (1). 1 of the submissions does not count toward it. Last evaluated 2022-03-04.

Conditions:
Hereditary spastic paraplegia 48. Also called: SPASTIC PARAPLEGIA 48, AUTOSOMAL RECESSIVE; Spastic paraplegia 48. Identifiers: Orphanet 306511, MedGen C3150901, MONDO:0013342, OMIM 613647.
Optic atrophy. Identifiers: MedGen C0029124, MONDO:0003608, HP:0000648.

Allele frequency attached by ClinVar (database versions not stated): TOPMed 0.00001.
gnomAD v4.1: 26 of 1,607,902 alleles (0.0016%); highest among the groups gnomAD compares: Non-Finnish European, 0.002%; no homozygotes.

Submissions (2):

Labcorp Genetics (formerly Invitae), Labcorp
Classification: Uncertain significance for Hereditary spastic paraplegia 48. Last evaluated: 2022-03-04. Review status: criteria provided, single submitter. Criteria: Invitae Variant Classification Sherloc (09022015). Collection method: clinical testing. Allele origin: germline.
Comment: ClinVar contains an entry for this variant (Variation ID: 662144). In summary, the available evidence is currently insufficient to determine the role of this variant in disease. Therefore, it has been classified as a Variant of Uncertain Significance. Algorithms developed to predict the effect of missense changes on protein structure and function are either unavailable or do not agree on the potential impact of this missense change (SIFT: "Deleterious"; PolyPhen-2: "Probably Damaging"; Align-GVGD: "Class C0"). This variant has not been reported in the literature in individuals affected with AP5Z1-related conditions. This variant is present in population databases (rs752688603, gnomAD 0.005%). This sequence change replaces threonine, which is neutral and polar, with arginine, which is basic and polar, at codon 706 of the AP5Z1 protein (p.Thr706Arg).

Institute of Human Genetics, Univ. Regensburg, Univ. Regensburg
Classification: Uncertain significance for Optic atrophy. Last evaluated: 2023-01-01. Review status: no assertion criteria provided. Criteria: ACMG Guidelines, 2015. Collection method: clinical testing. Allele origin: germline. Affected: yes. Not counted in ClinVar's aggregate classification.